The following is an entry in ClinVar:

NM_000155.4(GALT):c.821-2A>C

Gene: GALT (galactose-1-phosphate uridylyltransferase; plus strand). Cytogenetic location: 9p13.3.
Variant type: single nucleotide variant.
Coding change: c.821-2A>C on transcript NM_000155.4 (MANE Select); the canonical splice acceptor site of the intron before coding-DNA position 821, A replaced by C.
Molecular consequence: splice acceptor variant.
Genome position (GRCh38, 1-based): chr9:34,648,996, A>C. VCF-style: chr9-34648996-A-C. GRCh37 (hg19) VCF-style: chr9-34648993-A-C.
Other names: c.494-2A>C (NM_001258332.2).
Identifiers: ClinVar variation 4817644 (VCV004817644.1).

ClinVar aggregate classification (germline): Likely pathogenic (1 of 4 stars; one submission).

Conditions:
Galactosemia. Also called: Galactose intolerance. Identifiers: Orphanet 352, MedGen C0016952, MONDO:0018116, HP:0004919. Disease mechanism: loss of function.

Submission:

Natera, Inc.
Classification: Likely pathogenic for Galactosemia. Last evaluated: 2025-10-23. Review status: criteria provided, single submitter. Criteria: Natera Variant Classification Schema (03/2026). Collection method: clinical testing. Allele origin: germline.
Comment: The c.821-2A>C variant in GALT is a canonical splice acceptor site variant predicted to affect pre-mRNA splicing, which may result in an abnormal transcript and altered protein product. This variant is expected to result in nonsense mediated decay, truncation, or a dysfunctional protein product. This variant is rare in the general population with a frequency below the threshold expected for the associated phenotype(s). Given the available evidence, this variant is classified as Likely Pathogenic.